The following is an entry in ClinVar:

NM_000066.4(C8B):c.1144G>T (p.Asp382Tyr)

Gene: C8B (complement C8 beta chain; minus strand). Cytogenetic location: 1p32.2.
Variant type: single nucleotide variant.
Coding change: c.1144G>T on transcript NM_000066.4 (MANE Select); coding-DNA position 1144, G replaced by T.
Protein change: p.Asp382Tyr; replaces aspartic acid 382 with tyrosine.
Molecular consequence: missense variant.
Genome position (GRCh38, 1-based): chr1:56,943,786, C>A on the plus strand (G>T on the coding strand, the complement: C8B is on the minus strand). VCF-style: chr1-56943786-C-A. GRCh37 (hg19) VCF-style: chr1-57409459-C-A.
Other names: c.988G>T, p.Asp330Tyr (NM_001278543.2); c.958G>T, p.Asp320Tyr (NM_001278544.2); short protein forms D320Y, D382Y, D330Y.
Identifiers: ClinVar variation 777101 (VCV000777101.51), dbSNP rs139498867, ClinGen allele CA875734.
Genomic context (GRCh38, chr1:56,943,786, plus strand): 5'-TGCCTACAGACACACCCAGACTGACGTAGACCTCTTCAATGGCACCACCAATTTTAAAAT[C>A]ATTTTTGGCACAGGCATGGACGTTGTTAAGAGTATAATCTGAAGAAAACAAGGAAAAAGG-3'
Protein context (NP_000057.3, residues 372-392): LNNVHACAKN[Asp382Tyr]FKIGGAIEEV

ClinVar aggregate classification (germline): Likely benign; association. Review status: criteria provided, multiple submitters, no conflicts (2 of 4 stars). 4 submissions from 4 submitters: Likely benign (3). Last evaluated 2026-02-04.

Allele frequency attached by ClinVar (database versions not stated): 1000 Genomes Project 30x 0.00250; 1000 Genomes Project 0.00280; ExAC 0.00416; gnomAD exomes 0.00419 and 0.00613; gnomAD 0.00436 and 0.00442; TOPMed 0.00442; ESP Exome Variant Server 0.00592.

Submissions (4):

Labcorp Genetics (formerly Invitae), Labcorp
Classification: Likely benign. Last evaluated: 2026-02-04. Review status: criteria provided, single submitter. Criteria: Invitae Variant Classification Sherloc (09022015). Collection method: clinical testing. Allele origin: germline.

Women's Health and Genetics/Laboratory Corporation of America, LabCorp
Classification: Likely benign. Last evaluated: 2026-01-30. Review status: criteria provided, single submitter. Criteria: LabCorp Variant Classification Summary - May 2015. Collection method: clinical testing. Allele origin: germline.
Comment: Variant summary: C8B c.1144G>T (p.Asp382Tyr) results in a non-conservative amino acid change in the encoded protein sequence. Algorithms developed to predict the effect of missense changes on protein structure and function are either unavailable or do not agree on the potential impact of this missense change. The variant allele was found at a frequency of 0.0042 in 251336 control chromosomes in the gnomAD database, including 4 homozygotes. The observed variant frequency exceeds the estimated maximal expected allele frequency for disease-causing variants in C8B. To our knowledge, no occurrence of c.1144G>T in individuals affected with C8B-related conditions and no experimental evidence demonstrating its impact on protein function have been reported. ClinVar contains an entry for this variant (Variation ID: 777101). Based on the evidence outlined above, the variant was classified as likely benign.

CeGaT Center for Human Genetics Tuebingen
Classification: Likely benign. Last evaluated: 2025-09-01. Review status: criteria provided, single submitter. Criteria: CeGaT Center For Human Genetics Tuebingen Variant Classification Criteria Version 2. Collection method: clinical testing. Allele origin: germline. Affected: yes. Observed: 5 variant alleles.
Comment: C8B: BS2

Population Bio, Inc.
Classification: association. Last evaluated: 2022-08-30. Review status: criteria provided, single submitter. Criteria: Hatchwell et al (Front Neurol. 2022). Collection method: case-control. Allele origin: germline.
Comment: C8B variant c.1144G>T (rs139498867) is associated with Progressive multifocal leukoencephalopathy (PML, ORPHA:217260).

Literature cited by the submitters: PubMed 32256442 (cited by Population Bio, Inc.).